The following is an entry in ClinVar:

NM_004006.3(DMD):c.4000G>A (p.Gly1334Arg)

Gene: DMD (dystrophin; minus strand). Cytogenetic location: Xp21.1.
Variant type: single nucleotide variant.
Coding change: c.4000G>A on transcript NM_004006.3 (MANE Select); coding-DNA position 4000, G replaced by A.
Protein change: p.Gly1334Arg; replaces glycine 1334 with arginine.
Molecular consequence: missense variant.
Genome position (GRCh38, 1-based): chrX:32,438,312, C>T on the plus strand (G>A on the coding strand, the complement: DMD is on the minus strand). VCF-style: chrX-32438312-C-T. GRCh37 (hg19) VCF-style: chrX-32456429-C-T.
Other names: c.3976G>A, p.Gly1326Arg (NM_000109.4); c.3988G>A, p.Gly1330Arg (NM_004009.3); c.3631G>A, p.Gly1211Arg (NM_004010.3); short protein forms G1211R, G1326R, G1334R, G1330R.
Identifiers: ClinVar variation 966017 (VCV000966017.9), dbSNP rs146880270, ClinGen allele CA10379134.

ClinVar aggregate classification (germline): Uncertain significance. Review status: criteria provided, multiple submitters, no conflicts (2 of 4 stars). 5 submissions from 5 submitters: Uncertain significance (4). 1 of the submissions does not count toward it. Last evaluated 2026-06-22.

Conditions:
Becker muscular dystrophy (BMD). Also called: MUSCULAR DYSTROPHY, PSEUDOHYPERTROPHIC PROGRESSIVE, BECKER TYPE; Becker Muscular Dystrophy (BMD). Identifiers: Orphanet 98895, MedGen C0917713, MONDO:0010311, OMIM 300376.
Dilated cardiomyopathy 3B (CMD3B). Also called: CMD3B: DMD-Related Dilated Cardiomyopathy; CARDIOMYOPATHY, DILATED, X-LINKED; DMD-Associated Dilated Cardiomyopathy. Identifiers: Orphanet 154, MedGen C3668940, MONDO:0010542, OMIM 302045.
Duchenne muscular dystrophy (DMD). Also called: MUSCULAR DYSTROPHY, PSEUDOHYPERTROPHIC PROGRESSIVE, DUCHENNE TYPE; Duchenne Muscular Dystrophy (DMD). Identifiers: Orphanet 98896, MedGen C0013264, MONDO:0010679, OMIM 310200.
Cardiovascular phenotype. Identifiers: MedGen CN230736.
Dystrophin deficiency.
Cardiomyopathy (CMYO). Also called: Cardiomyopathies. Identifiers: Orphanet 167848, MedGen C0878544, MONDO:0004994, HP:0001638. Inheritance: Various modes of inheritance.

Allele frequency attached by ClinVar (database versions not stated): gnomAD exomes 0.00001; TOPMed 0.00003; gnomAD 0.00004; ESP Exome Variant Server 0.00019; ExAC 0.00002.
gnomAD v4.1: 13 of 1,209,320 alleles (0.0011%); highest among the groups gnomAD compares: African/African-American, 0.01%; no homozygotes.

Submissions (5):

Ambry Genetics
Classification: Uncertain significance for Cardiovascular phenotype. Last evaluated: 2026-06-22. Review status: criteria provided, single submitter. Criteria: Ambry Variant Classification Scheme 2023. Collection method: clinical testing. Allele origin: germline.
Comment: The p.G1334R variant (also known as c.4000G>A), located in coding exon 29 of the DMD gene, results from a G to A substitution at nucleotide position 4000. The glycine at codon 1334 is replaced by arginine, an amino acid with dissimilar properties. This variant was reported in individual(s) with features consistent with dilated cardiomyopathy (DCM) and arrhythmia (Haas J et al. Eur Heart J, 2015 May;36:1123-35a; Janin A et al. Mol Diagn Ther, 2021 May;25:373-385). Based on data from gnomAD, the A allele has an overall frequency of <0.01% (2/204894) total alleles studied, with 0 hemizygote(s) observed. The highest observed frequency was 0.01% (2/19052) of African alleles. This amino acid position is highly conserved in available vertebrate species. In addition, this alteration is predicted to be tolerated by in silico analysis. Based on the available evidence, the clinical significance of this variant remains unclear.

Women's Health and Genetics/Laboratory Corporation of America, LabCorp
Classification: Uncertain significance. Last evaluated: 2026-06-02. Review status: criteria provided, single submitter. Criteria: LabCorp Variant Classification Summary - May 2015. Collection method: clinical testing. Allele origin: germline.
Comment: Variant summary: DMD c.4000G>A (p.Gly1334Arg) results in a non-conservative amino acid change in the encoded protein sequence. Algorithms developed to predict the effect of missense changes on protein structure and function are either unavailable or do not agree on the potential impact of this missense change. The variant allele was found at a frequency of 5.5e-06 in 182982 control chromosomes (gnomAD). The available data on variant occurrences in the general population are insufficient to allow any conclusion about variant significance. c.4000G>A has been observed in one individual affected with dilated cardiomyopathy (Hass_2015). The report does not provide unequivocal conclusions about association of the variant with disease. To our knowledge, no experimental evidence demonstrating an impact on protein function has been reported. The following publication have been ascertained in the context of this evaluation (PMID: 25163546). ClinVar contains an entry for this variant (Variation ID: 966017). Based on the evidence outlined above, the variant was classified as uncertain significance.

Labcorp Genetics (formerly Invitae), Labcorp
Classification: Uncertain significance for Duchenne muscular dystrophy. Last evaluated: 2025-12-09. Review status: criteria provided, single submitter. Criteria: Invitae Variant Classification Sherloc (09022015). Collection method: clinical testing. Allele origin: germline.
Comment: This sequence change replaces glycine, which is neutral and non-polar, with arginine, which is basic and polar, at codon 1334 of the DMD protein (p.Gly1334Arg). This variant is present in population databases (rs146880270, gnomAD 0.02%). This missense change has been observed in individuals with dilated cardiomyopathy and/or Duchenne muscular dystrophy (PMID: 25163546; internal data). Invitae Evidence Modeling of clinical and family history, age, sex, and reported ancestry of multiple individuals with this DMD variant has been performed. This variant is expected to be benign with a negative predictive value of at least 95%. This is a validated machine learning model that incorporates the clinical features of 600,801 individuals referred to our laboratory for DMD testing. This variant is also known as c.G3988A (p.G1330R). ClinVar contains an entry for this variant (Variation ID: 966017). Invitae Evidence Modeling of protein sequence and biophysical properties (such as structural, functional, and spatial information, amino acid conservation, physicochemical variation, residue mobility, and thermodynamic stability) indicates that this missense variant is not expected to disrupt DMD protein function with a negative predictive value of 95%. In summary, the available evidence is currently insufficient to determine the role of this variant in disease. Therefore, it has been classified as a Variant of Uncertain Significance.

Fulgent Genetics
Classification: Uncertain significance for Becker muscular dystrophy; Dilated cardiomyopathy 3B; Duchenne muscular dystrophy. Last evaluated: 2021-09-23. Review status: criteria provided, single submitter. Criteria: ACMG Guidelines, 2015. Collection method: clinical testing. Allele origin: unknown.

Natera, Inc.
Classification: Uncertain significance for Becker muscular dystrophy; Cardiomyopathy; Duchenne muscular dystrophy; Dystrophin deficiency. Last evaluated: 2018-06-07. Review status: no assertion criteria provided. Collection method: clinical testing. Allele origin: germline. Not counted in ClinVar's aggregate classification.

Literature cited by the submitters: PubMed 25163546 (cited by 3 submitters); PubMed 33954932 (cited by Ambry Genetics).